The following is an entry in ClinVar:

NM_025152.3(NUBPL):c.61G>A (p.Ala21Thr)

Gene: NUBPL (NUBP iron-sulfur cluster assembly factor, mitochondrial; plus strand). Cytogenetic location: 14q12.
Variant type: single nucleotide variant.
Coding change: c.61G>A on transcript NM_025152.3 (MANE Select); coding-DNA position 61, G replaced by A.
Protein change: p.Ala21Thr; replaces alanine 21 with threonine.
Molecular consequence: missense variant. On other transcripts: non-coding transcript variant (1).
Genome position (GRCh38, 1-based): chr14:31,561,500, G>A. VCF-style: chr14-31561500-G-A. GRCh37 (hg19) VCF-style: chr14-32030706-G-A.
Other names: p.Ala21Thr; c.61G>A (NM_025152.2); short protein forms A21T.
Identifiers: ClinVar variation 2189026 (VCV002189026.9), dbSNP rs371582695, ClinGen allele CA7147702.

ClinVar aggregate classification (germline): Uncertain significance. Review status: criteria provided, multiple submitters, no conflicts (2 of 4 stars). 5 submissions from 5 submitters: Uncertain significance (5). Last evaluated 2025-08-06.

Conditions:
Inborn genetic diseases. Identifiers: MedGen C0950123, MeSH D030342.

Allele frequency attached by ClinVar (database versions not stated): gnomAD exomes 0.00003; ExAC 0.00009; ESP Exome Variant Server 0.00017; gnomAD 0.00022; TOPMed 0.00031.
gnomAD v4.1: 66 of 1,393,950 alleles (0.0047%); highest among the groups gnomAD compares: African/African-American, 0.086%; no homozygotes.

Submissions (5):

Mayo Clinic Laboratories, Mayo Clinic
Classification: Uncertain significance. Last evaluated: 2025-08-06. Review status: criteria provided, single submitter. Criteria: ACMG Guidelines, 2015. Collection method: clinical testing. Allele origin: germline. Observed: 1 variant allele.
Comment: BP4_moderate

Ambry Genetics
Classification: Uncertain significance for Inborn genetic diseases. Last evaluated: 2025-03-20. Review status: criteria provided, single submitter. Criteria: Ambry Variant Classification Scheme 2023. Collection method: clinical testing. Allele origin: germline.

GeneDx
Classification: Uncertain significance. Last evaluated: 2023-12-27. Review status: criteria provided, single submitter. Criteria: GeneDx Variant Classification Process June 2021. Collection method: clinical testing. Allele origin: germline.
Comment: In silico analysis supports that this missense variant does not alter protein structure/function; Has not been previously published as pathogenic or benign to our knowledge

Labcorp Genetics (formerly Invitae), Labcorp
Classification: Uncertain significance. Last evaluated: 2022-10-17. Review status: criteria provided, single submitter. Criteria: Invitae Variant Classification Sherloc (09022015). Collection method: clinical testing. Allele origin: germline.
Comment: In summary, the available evidence is currently insufficient to determine the role of this variant in disease. Therefore, it has been classified as a Variant of Uncertain Significance. Algorithms developed to predict the effect of missense changes on protein structure and function output the following: SIFT: "Tolerated"; PolyPhen-2: "Benign"; Align-GVGD: "Class C0". The threonine amino acid residue is found in multiple mammalian species, which suggests that this missense change does not adversely affect protein function. This variant has not been reported in the literature in individuals affected with NUBPL-related conditions. The frequency data for this variant in the population databases is considered unreliable, as metrics indicate poor data quality at this position in the gnomAD database. This sequence change replaces alanine, which is neutral and non-polar, with threonine, which is neutral and polar, at codon 21 of the NUBPL protein (p.Ala21Thr).

Blueprint Genetics
Classification: Uncertain significance. Last evaluated: 2019-10-15. Review status: criteria provided, single submitter. Criteria: ACMG Guidelines, 2015. Collection method: clinical testing. Allele origin: germline.